The following is an entry in ClinVar:

ClinVar aggregate classification (germline): Uncertain significance (1 of 4 stars; one submission).

Conditions:
Neuropathy, hereditary sensory and autonomic, type 2A (HSAN2A). Also called: ACROOSTEOLYSIS, GIACCAI TYPE; ACROOSTEOLYSIS, NEUROGENIC; MORVAN DISEASE; NEUROPATHY, CONGENITAL SENSORY; NEUROPATHY, HEREDITARY SENSORY RADICULAR, AUTOSOMAL RECESSIVE; NEUROPATHY, HEREDITARY SENSORY, TYPE IIA. Identifiers: Orphanet 970, MedGen C2752089, MONDO:0024309, OMIM 201300.
Pseudohypoaldosteronism type 2C (PHA2C). Also called: Pseudohypoaldosteronism Type IIC. Identifiers: Orphanet 757, Orphanet 88940, MedGen C1840391, MONDO:0013778, OMIM 614492.

gnomAD v4.1: 1 of 1,594,292 alleles (0.000063%); highest among the groups gnomAD compares: Non-Finnish European, 0.000085%; no homozygotes.

Submission:

Labcorp Genetics (formerly Invitae), Labcorp
Classification: Uncertain significance for Neuropathy, hereditary sensory and autonomic, type 2A; Pseudohypoaldosteronism type 2C. Last evaluated: 2024-03-23. Review status: criteria provided, single submitter. Criteria: Invitae Variant Classification Sherloc (09022015). Collection method: clinical testing. Allele origin: germline.
Comment: This sequence change replaces serine, which is neutral and polar, with arginine, which is basic and polar, at codon 158 of the WNK1 protein (p.Ser158Arg). This variant is not present in population databases (gnomAD no frequency). This variant has not been reported in the literature in individuals affected with WNK1-related conditions. Advanced modeling of protein sequence and biophysical properties (such as structural, functional, and spatial information, amino acid conservation, physicochemical variation, residue mobility, and thermodynamic stability) performed at Invitae indicates that this missense variant is not expected to disrupt WNK1 protein function with a negative predictive value of 95%. In summary, the available evidence is currently insufficient to determine the role of this variant in disease. Therefore, it has been classified as a Variant of Uncertain Significance.

NM_018979.4(WNK1):c.474C>A (p.Ser158Arg)

Gene: WNK1 (WNK lysine deficient protein kinase 1; plus strand). Cytogenetic location: 12p13.33.
Variant type: single nucleotide variant.
Coding change: c.474C>A on transcript NM_018979.4 (MANE Select); coding-DNA position 474, C replaced by A.
Protein change: p.Ser158Arg; replaces serine 158 with arginine.
Molecular consequence: missense variant.
Genome position (GRCh38, 1-based): chr12:754,039, C>A. VCF-style: chr12-754039-C-A. GRCh37 (hg19) VCF-style: chr12-863205-C-A.
Other names: c.474C>A, p.Ser158Arg (NM_001184985.2, NM_014823.3, NM_213655.5); short protein forms S158R.
Identifiers: ClinVar variation 3753823 (VCV003753823.2).
Genomic context (GRCh38, chr12:754,039, plus strand): 5'-AGCCGCTGCCGCCCCTGGGGAACAGGCCGTCGCGGGCCCTGCCCCCTCGACTGTCCCCAG[C>A]AGTACCAGCAAAGACCGCCCAGTGTCCCAGCCTAGCCTTGTGGGGAGCAAAGAGGAGCCG-3'
Protein context (NP_061852.3, residues 148-168): VAGPAPSTVP[Ser158Arg]STSKDRPVSQ